The following is an entry in ClinVar:

NM_000384.3(APOB):c.9563A>G (p.Asn3188Ser)

Gene: APOB (apolipoprotein B; minus strand). Cytogenetic location: 2p24.1.
Variant type: single nucleotide variant.
Coding change: c.9563A>G on transcript NM_000384.3 (MANE Select); coding-DNA position 9563, A replaced by G.
Protein change: p.Asn3188Ser; replaces asparagine 3188 with serine.
Molecular consequence: missense variant.
Genome position (GRCh38, 1-based): chr2:21,007,305, T>C on the plus strand (A>G on the coding strand, the complement: APOB is on the minus strand). VCF-style: chr2-21007305-T-C. GRCh37 (hg19) VCF-style: chr2-21230177-T-C.
Other names: short protein forms N3188S.
Identifiers: ClinVar variation 3127927 (VCV003127927.2), dbSNP rs2465362684, ClinGen allele CA345989489.

ClinVar aggregate classification (germline): Uncertain significance (1 of 4 stars; one submission).

Conditions:
Cardiovascular phenotype. Identifiers: MedGen CN230736.

Allele frequency attached by ClinVar (database versions not stated): gnomAD exomes below 0.00001.
gnomAD v4.1: 2 of 1,613,958 alleles (0.00012%); highest among the groups gnomAD compares: Non-Finnish European, 0.00017%; no homozygotes.

Submission:

Ambry Genetics
Classification: Uncertain significance for Cardiovascular phenotype. Last evaluated: 2026-09-11. Review status: criteria provided, single submitter. Criteria: Ambry Variant Classification Scheme 2023. Collection method: clinical testing. Allele origin: germline.
Comment: The p.N3188S variant (also known as c.9563A>G), located in coding exon 26 of the APOB gene, results from an A to G substitution at nucleotide position 9563. The asparagine at codon 3188 is replaced by serine, an amino acid with highly similar properties. This amino acid position is conserved. In addition, this alteration is predicted to be tolerated by in silico analysis. Based on the available evidence, the clinical significance of this variant remains unclear.